The following is an entry in ClinVar:

ClinVar aggregate classification (germline): Pathogenic (0 of 4 stars; one submission).

Conditions:
Beckwith-Wiedemann syndrome (BWS). Also called: Exomphalos macroglossia gigantism syndrome; EMG SYNDROME. Identifiers: Orphanet 116, MedGen C0004903, MONDO:0007534, OMIM 130650.

Submission:

Centre de Recherche Saint Antoine,  Université Pierre et Marie Curie
Classification: Pathogenic for Beckwith-Wiedemann syndrome. Review status: no assertion criteria provided. Collection method: not provided. Allele origin: unknown.
ClinVar note: Converted during submission from pathogenic to Pathogenic.

NM_001122630.2(CDKN1C):c.*5+2T>C

Gene: CDKN1C (cyclin dependent kinase inhibitor 1C; minus strand). Cytogenetic location: 11p15.4.
Variant type: single nucleotide variant.
Coding change: c.*5+2T>C on transcript NM_001122630.2 (MANE Select); the canonical splice donor site of the intron after 5 bases downstream of the stop codon, T replaced by C.
Molecular consequence: splice donor variant.
Genome position (GRCh38, 1-based): chr11:2,883,997, A>G on the plus strand (T>C on the coding strand, the complement: CDKN1C is on the minus strand). VCF-style: chr11-2883997-A-G. GRCh37 (hg19) VCF-style: chr11-2905227-A-G.
Other names: c.391+2T>C (NM_001362475.2); c.*5+2T>C (NM_001122631.2, NM_001362474.2, NM_000076.2).
Identifiers: ClinVar variation 143246 (VCV000143246.2), dbSNP rs587777866, ClinGen allele CA274859.
Genomic context (GRCh38, chr11:2,883,997, plus strand): 5'-GCAAAGCCGGCGGGGACCCGGCGGGTCGGCCCTCCGCGCCCCCCCAGGTGCGCTGTACTC[A>G]CTTGGCTCACCGCAGCCTCTTGCGCGGGGTCTGCTCCACCGAGCCCACGCCAGGGGCGGC-3'